The following is an entry in ClinVar:

NM_001375524.1(TRRAP):c.7847C>T (p.Ala2616Val)

Gene: TRRAP (transformation/transcription domain associated protein; plus strand). Cytogenetic location: 7q22.1.
Variant type: single nucleotide variant.
Coding change: c.7847C>T on transcript NM_001375524.1 (MANE Select); coding-DNA position 7847, C replaced by T.
Protein change: p.Ala2616Val; replaces alanine 2616 with valine.
Molecular consequence: missense variant.
Genome position (GRCh38, 1-based): chr7:98,976,156, C>T. VCF-style: chr7-98976156-C-T. GRCh37 (hg19) VCF-style: chr7-98573779-C-T.
Other names: c.7826C>T, p.Ala2609Val (NM_001244580.2); c.7772C>T, p.Ala2591Val (NM_003496.4); short protein forms A2591V, A2609V, A2616V.
Identifiers: ClinVar variation 2968419 (VCV002968419.3), dbSNP rs201688844, ClinGen allele CA163073582.

ClinVar aggregate classification (germline): Uncertain significance (1 of 4 stars; one submission).

Allele frequency attached by ClinVar (database versions not stated): TOPMed 0.00001; gnomAD 0.00001; gnomAD exomes 0.00004.
gnomAD v4.1: 59 of 1,613,762 alleles (0.0037%); highest among the groups gnomAD compares: Non-Finnish European, 0.0046%; no homozygotes.

Submission:

Labcorp Genetics (formerly Invitae), Labcorp
Classification: Uncertain significance. Last evaluated: 2025-05-05. Review status: criteria provided, single submitter. Criteria: Invitae Variant Classification Sherloc (09022015). Collection method: clinical testing. Allele origin: germline.
Comment: This sequence change replaces alanine, which is neutral and non-polar, with valine, which is neutral and non-polar, at codon 2591 of the TRRAP protein (p.Ala2591Val). This variant is present in population databases (rs201688844, gnomAD 0.01%). This variant has not been reported in the literature in individuals affected with TRRAP-related conditions. ClinVar contains an entry for this variant (Variation ID: 2968419). Invitae Evidence Modeling of protein sequence and biophysical properties (such as structural, functional, and spatial information, amino acid conservation, physicochemical variation, residue mobility, and thermodynamic stability) indicates that this missense variant is not expected to disrupt TRRAP protein function with a negative predictive value of 80%. In summary, the available evidence is currently insufficient to determine the role of this variant in disease. Therefore, it has been classified as a Variant of Uncertain Significance.